The following is an entry in ClinVar:

NM_032043.3(BRIP1):c.1794+2T>G

Gene: BRIP1 (BRCA1 interacting DNA helicase 1; minus strand). Cytogenetic location: 17q23.2.
Variant type: single nucleotide variant.
Coding change: c.1794+2T>G on transcript NM_032043.3 (MANE Select); the canonical splice donor site of the intron after coding-DNA position 1794, T replaced by G.
Molecular consequence: splice donor variant.
Genome position (GRCh38, 1-based): chr17:61,780,838, A>C on the plus strand (T>G on the coding strand, the complement: BRIP1 is on the minus strand). VCF-style: chr17-61780838-A-C. GRCh37 (hg19) VCF-style: chr17-59858199-A-C.
Identifiers: ClinVar variation 2953072 (VCV002953072.3), dbSNP rs2545026298, ClinGen allele CA400480240.

ClinVar aggregate classification (germline): Likely pathogenic (1 of 4 stars; one submission).

Conditions:
Familial cancer of breast. Also called: BREAST CANCER, FAMILIAL; hereditary breast carcinoma; Hereditary breast cancer. Identifiers: Orphanet 227535, MedGen C0346153, MONDO:0016419, OMIM 114480. Disease mechanism: loss of function.
Fanconi anemia complementation group J. Also called: BRIP1-Related Fanconi Anemia. Identifiers: Orphanet 84, MedGen C1836860, MONDO:0012187, OMIM 609054.

Submission:

Labcorp Genetics (formerly Invitae), Labcorp
Classification: Likely pathogenic for Familial cancer of breast; Fanconi anemia complementation group J. Last evaluated: 2023-10-19. Review status: criteria provided, single submitter. Criteria: Invitae Variant Classification Sherloc (09022015). Collection method: clinical testing. Allele origin: germline.
Comment: This sequence change affects a donor splice site in intron 12 of the BRIP1 gene. It is expected to disrupt RNA splicing. Variants that disrupt the donor or acceptor splice site typically lead to a loss of protein function (PMID: 16199547), and loss-of-function variants in BRIP1 are known to be pathogenic (PMID: 16116423, 17033622, 21964575). This variant is not present in population databases (gnomAD no frequency). This variant has not been reported in the literature in individuals affected with BRIP1-related conditions. Algorithms developed to predict the effect of sequence changes on RNA splicing suggest that this variant may disrupt the consensus splice site. In summary, the currently available evidence indicates that the variant is pathogenic, but additional data are needed to prove that conclusively. Therefore, this variant has been classified as Likely Pathogenic.

Literature cited by the submitters: PubMed 16199547; PubMed 16116423; PubMed 17033622; PubMed 21964575.